The following is an entry in ClinVar:

NM_018480.7(TMEM126B):c.137del (p.Ala46fs)

Gene: TMEM126B (transmembrane protein 126B; plus strand). Cytogenetic location: 11q14.1.
Variant type: Deletion.
Coding change: c.137del on transcript NM_018480.7 (MANE Select); coding-DNA position 137, one base deleted (C; older notation c.137delC).
Protein change: p.Ala46fs; shifts the reading frame from alanine 46.
Molecular consequence: frameshift variant. On other transcripts: non-coding transcript variant (2), intron variant (2).
Genome position (GRCh38, 1-based): chr11:85,631,742, C deleted. VCF-style (leftmost placement, unchanged base first): chr11-85631741-GC-G. GRCh37 (hg19) VCF-style: chr11-85342785-GC-G.
Other names: c.77del, p.Ala26fs (NM_001193537.3, NM_001350395.2); c.47del, p.Ala16fs (NM_001193538.3, NM_001256546.2, NM_001350396.2); c.137del, p.Ala46fs (NM_001350394.2); c.66-2344del (NM_001256547.2); c.82-2344del (NM_001350393.1); short protein forms A16fs, A26fs, A46fs.
Identifiers: ClinVar variation 997635 (VCV000997635.7), dbSNP rs764565613, ClinGen allele CA6212373.

ClinVar aggregate classification (germline): Pathogenic/Likely pathogenic. Review status: criteria provided, multiple submitters, no conflicts (2 of 4 stars). 3 submissions from 3 submitters: Pathogenic (2); Likely pathogenic (1). Last evaluated 2025-09-04.

Conditions:
Mitochondrial complex I deficiency, nuclear type 29. Also called: Mitochondrial complex 1 deficiency, nuclear type 29. Identifiers: MedGen C4748830, MONDO:0032633, OMIM 618250.

Allele frequency attached by ClinVar (database versions not stated): gnomAD 0.00001; gnomAD exomes 0.00006 and 0.00016; TOPMed 0.00007; ExAC 0.00024.

Submissions (3):

Labcorp Genetics (formerly Invitae), Labcorp
Classification: Pathogenic. Last evaluated: 2025-09-04. Review status: criteria provided, single submitter. Criteria: Invitae Variant Classification Sherloc (09022015). Collection method: clinical testing. Allele origin: germline.
Comment: This sequence change creates a premature translational stop signal (p.Ala46Glufs*9) in the TMEM126B gene. It is expected to result in an absent or disrupted protein product. Loss-of-function variants in TMEM126B are known to be pathogenic (PMID: 27374774). This variant is present in population databases (rs764565613, gnomAD 0.09%). This variant has not been reported in the literature in individuals affected with TMEM126B-related conditions. ClinVar contains an entry for this variant (Variation ID: 997635). Algorithms developed to predict the effect of sequence changes on RNA splicing suggest that this variant may disrupt the consensus splice site. For these reasons, this variant has been classified as Pathogenic.

Variantyx, Inc.
Classification: Likely pathogenic for Mitochondrial complex I deficiency, nuclear type 29. Last evaluated: 2025-03-13. Review status: criteria provided, single submitter. Criteria: Variantyx Assertion Criteria 2022. Collection method: clinical testing. Allele origin: germline.
Comment: This is a frameshift variant in the TMEM126B gene (OMIM: 615533). Pathogenic variants in this gene have been associated with autosomal recessive mitochondrial complex I deficiency nuclear type 29. This variant introduces a premature termination codon in exon 2 out of 5. It is expected to result in loss of function, which is a known disease mechanism for TMEM126B in this disorder (PMID: 27374774) (PVS1). This variant has a 0.0612% maximum allele frequency in non-founder control populations (PM2_Supporting). Based on the current evidence, this variant is classified as likely pathogenic for autosomal recessive mitochondrial complex I deficiency nuclear type 29.

Baylor Genetics
Classification: Pathogenic for Mitochondrial complex I deficiency, nuclear type 29. Last evaluated: 2019-01-20. Review status: criteria provided, single submitter. Criteria: ACMG Guidelines, 2015. Collection method: clinical testing. Allele origin: maternal. Affected: yes.
Comment: This variant was determined to be pathogenic according to ACMG Guidelines, 2015 [PMID:25741868].

Literature cited by the submitters: PubMed 27374774 (cited by Labcorp Genetics (formerly Invitae), Labcorp).